The following is an entry in ClinVar:

NM_001035.3(RYR2):c.1547A>C (p.Asp516Ala)

Gene: RYR2 (ryanodine receptor 2; plus strand). Cytogenetic location: 1q43.
Variant type: single nucleotide variant.
Coding change: c.1547A>C on transcript NM_001035.3 (MANE Select); coding-DNA position 1547, A replaced by C.
Protein change: p.Asp516Ala; replaces aspartic acid 516 with alanine.
Molecular consequence: missense variant.
Genome position (GRCh38, 1-based): chr1:237,456,670, A>C. VCF-style: chr1-237456670-A-C. GRCh37 (hg19) VCF-style: chr1-237619970-A-C.
Other names: short protein forms D516A.
Identifiers: ClinVar variation 4975689 (VCV004975689.1).

ClinVar aggregate classification (germline): Uncertain significance (1 of 4 stars; one submission).

Submission:

GeneDx
Classification: Uncertain significance. Last evaluated: 2026-01-26. Review status: criteria provided, single submitter. Criteria: GeneDx Variant Classification Process June 2021. Collection method: clinical testing. Allele origin: germline.
Comment: Not observed at significant frequency in large population cohorts (gnomAD); In silico analysis supports that this missense variant has a deleterious effect on protein structure/function; Has not been previously published as pathogenic or benign to our knowledge; Not located in one of the three hot-spot regions of the RYR2 gene, where the majority of pathogenic missense variants occur (PMID: 19926015); This variant is associated with the following publications: (PMID: 19926015)